The following is an entry in ClinVar:

NM_002471.4(MYH6):c.-14+10G>C

Genes: MYH6 (myosin heavy chain 6; minus strand), LOC114827851 (VISTA enhancer hs2155; plus strand). Cytogenetic location: 14q11.2.
Variant type: single nucleotide variant.
Coding change: c.-14+10G>C on transcript NM_002471.4 (MANE Select); 10 bases into the intron after 14 bases upstream of the start codon, G replaced by C.
Molecular consequence: intron variant.
Genome position (GRCh38, 1-based): chr14:23,407,566, C>G on the plus strand (G>C on the coding strand, the complement: MYH6 is on the minus strand). VCF-style: chr14-23407566-C-G. GRCh37 (hg19) VCF-style: chr14-23876775-C-G.
Identifiers: ClinVar variation 509100 (VCV000509100.1), dbSNP rs983434087, ClinGen allele CA257800801.

ClinVar aggregate classification (germline): Likely benign (1 of 4 stars; one submission).

Allele frequency attached by ClinVar (database versions not stated): TOPMed 0.00005; gnomAD 0.00007 and 0.00009; gnomAD exomes 0.00018.
gnomAD v4.1: 197 of 1,225,630 alleles (0.016%); highest among the groups gnomAD compares: Non-Finnish European, 0.02%; no homozygotes.

Submission:

GeneDx
Classification: Likely benign. Last evaluated: 2017-04-24. Review status: criteria provided, single submitter. Criteria: GeneDx Variant Classification (06012015). Collection method: clinical testing. Allele origin: germline. Affected: yes.
Comment: This variant is considered likely benign or benign based on one or more of the following criteria: it is a conservative change, it occurs at a poorly conserved position in the protein, it is predicted to be benign by multiple in silico algorithms, and/or has population frequency not consistent with disease.